The following is an entry in ClinVar:

ClinVar aggregate classification (germline): Likely benign (0 of 4 stars; one submission).

Conditions:
COL11A1-related disorder. Also called: COL11A1-related disorders; COL11A1-related condition.

Allele frequency attached by ClinVar (database versions not stated): TOPMed 0.00001.

Submission:

PreventionGenetics, part of Exact Sciences
Classification: Likely benign for COL11A1-related condition. Last evaluated: 2021-10-11. Review status: no assertion criteria provided. Collection method: clinical testing. Allele origin: germline.
Comment: This variant is classified as likely benign based on ACMG/AMP sequence variant interpretation guidelines (Richards et al. 2015 PMID: 25741868, with internal and published modifications).

NM_001854.4(COL11A1):c.3708+436A>G

Gene: COL11A1 (collagen type XI alpha 1 chain; minus strand). Cytogenetic location: 1p21.1.
Variant type: single nucleotide variant.
Coding change: c.3708+436A>G on transcript NM_001854.4 (MANE Select); 436 bases into the intron after coding-DNA position 3708, A replaced by G.
Molecular consequence: intron variant.
Genome position (GRCh38, 1-based): chr1:102,921,082, T>C on the plus strand (A>G on the coding strand, the complement: COL11A1 is on the minus strand). VCF-style: chr1-102921082-T-C. GRCh37 (hg19) VCF-style: chr1-103386638-T-C.
Other names: c.3591+436A>G (NM_001190709.2); c.3744+436A>G (NM_080629.3); c.3360+436A>G (NM_080630.4).
Identifiers: ClinVar variation 3029370 (VCV003029370.2), dbSNP rs1655939539, ClinGen allele CA1185246095.